The following is an entry in ClinVar:

NM_001042492.3(NF1):c.7458-2A>G

Gene: NF1 (neurofibromin 1; plus strand). Cytogenetic location: 17q11.2.
Variant type: single nucleotide variant.
Coding change: c.7458-2A>G on transcript NM_001042492.3 (MANE Select); the canonical splice acceptor site of the intron before coding-DNA position 7458, A replaced by G.
Molecular consequence: splice acceptor variant.
Genome position (GRCh38, 1-based): chr17:31,352,255, A>G. VCF-style: chr17-31352255-A-G. GRCh37 (hg19) VCF-style: chr17-29679273-A-G.
Other names: c.7395-2A>G (NM_000267.4).
Identifiers: ClinVar variation 3239925 (VCV003239925.2), dbSNP rs2508811266.

ClinVar aggregate classification (germline): Pathogenic/Likely pathogenic. Review status: criteria provided, multiple submitters, no conflicts (2 of 4 stars). 2 submissions from 2 submitters: Pathogenic (1); Likely pathogenic (1). Last evaluated 2024-10-04.

Conditions:
Café-au-lait macules with pulmonary stenosis (WTSN). Also called: PULMONIC STENOSIS WITH CAFE-AU-LAIT SPOTS. Identifiers: MedGen C0553586, MONDO:0008672, OMIM 193520.
Juvenile myelomonocytic leukemia (JMML). Also called: LEUKEMIA, JUVENILE MYELOMONOCYTIC, SOMATIC. Identifiers: Orphanet 86834, MedGen C0349639, MONDO:0011908, OMIM 607785, HP:0012209.

Submissions (2):

Dubai Health Genomic Medicine Center, Dubai Health
Classification: Pathogenic for Watson syndrome. Last evaluated: 2024-10-04. Review status: criteria provided, single submitter. Criteria: ACMG Guidelines, 2015. Collection method: research. Allele origin: germline. Affected: yes.
Comment: PVS1,PM2,PP4

Baylor Genetics
Classification: Likely pathogenic for Juvenile myelomonocytic leukemia. Last evaluated: 2024-02-11. Review status: criteria provided, single submitter. Criteria: ACMG Guidelines, 2015. Collection method: clinical testing. Allele origin: unknown.